The following is an entry in ClinVar:

NM_001378414.1(HDAC4):c.1974G>A (p.Thr658=)

Gene: HDAC4 (histone deacetylase 4; minus strand). Cytogenetic location: 2q37.3.
Variant type: single nucleotide variant.
Coding change: c.1974G>A on transcript NM_001378414.1 (MANE Select); coding-DNA position 1974, G replaced by A.
Protein change: p.Thr658=; no amino-acid change (threonine 658 retained).
Molecular consequence: synonymous variant.
Genome position (GRCh38, 1-based): chr2:239,111,530, C>T on the plus strand (G>A on the coding strand, the complement: HDAC4 is on the minus strand). VCF-style: chr2-239111530-C-T. GRCh37 (hg19) VCF-style: chr2-240033226-C-T.
Other names: c.1974G>A, p.Thr658= (NM_001378415.1); c.1959G>A, p.Thr653= (NM_001378416.1, NM_001378417.1, NM_001435996.1 and 1 more transcripts); c.1893G>A, p.Thr631= (NM_001435991.1, NM_001435992.1, NM_001435994.1); c.1815G>A, p.Thr605= (NM_001435993.1); c.1878G>A, p.Thr626= (NM_001435998.1).
Identifiers: ClinVar variation 4083791 (VCV004083791.9).

ClinVar aggregate classification (germline): Benign/Likely benign. Review status: criteria provided, multiple submitters, no conflicts (2 of 4 stars). 2 submissions from 2 submitters: Benign (1); Likely benign (1). Last evaluated 2025-08-30.

gnomAD v4.1: 395 of 1,612,002 alleles (0.025%); highest among the groups gnomAD compares: South Asian, 0.37%; 3 homozygotes.

Submissions (2):

Labcorp Genetics (formerly Invitae), Labcorp
Classification: Benign. Last evaluated: 2025-08-30. Review status: criteria provided, single submitter. Criteria: Invitae Variant Classification Sherloc (09022015). Collection method: clinical testing. Allele origin: germline.

CeGaT Center for Human Genetics Tuebingen
Classification: Likely benign. Last evaluated: 2025-08-01. Review status: criteria provided, single submitter. Criteria: CeGaT Center For Human Genetics Tuebingen Variant Classification Criteria Version 2. Collection method: clinical testing. Allele origin: germline. Affected: yes. Observed: 1 variant allele.
Comment: HDAC4: BP4, BP7